The following is an entry in ClinVar:

ClinVar aggregate classification (germline): Likely benign (1 of 4 stars; one submission).

Submission:

CeGaT Center for Human Genetics Tuebingen
Classification: Likely benign. Last evaluated: 2024-12-01. Review status: criteria provided, single submitter. Criteria: CeGaT Center For Human Genetics Tuebingen Variant Classification Criteria Version 2. Collection method: clinical testing. Allele origin: germline. Affected: yes. Observed: 1 variant allele.
Comment: NKX6-2: PM2:Supporting, BP4, BP7

NM_177400.3(NKX6-2):c.399T>G (p.Ala133=)

Gene: NKX6-2 (NK6 homeobox 2; minus strand). Cytogenetic location: 10q26.3.
Variant type: single nucleotide variant.
Coding change: c.399T>G on transcript NM_177400.3 (MANE Select); coding-DNA position 399, T replaced by G.
Protein change: p.Ala133=; no amino-acid change (alanine 133 retained).
Molecular consequence: synonymous variant.
Genome position (GRCh38, 1-based): chr10:132,785,550, A>C on the plus strand (T>G on the coding strand, the complement: NKX6-2 is on the minus strand). VCF-style: chr10-132785550-A-C. GRCh37 (hg19) VCF-style: chr10-134599054-A-C.
Identifiers: ClinVar variation 3771398 (VCV003771398.13).